The following is an entry in ClinVar:

ClinVar aggregate classification (germline): Uncertain significance (1 of 4 stars; one submission).

Conditions:
Long QT syndrome (LQTS). Identifiers: MedGen C0023976, MeSH D008133, MONDO:0002442. Disease mechanism: loss of function. Inheritance: Various modes of inheritance.

Submission:

Labcorp Genetics (formerly Invitae), Labcorp
Classification: Uncertain significance for Long QT syndrome. Last evaluated: 2020-02-14. Review status: criteria provided, single submitter. Criteria: Invitae Variant Classification Sherloc (09022015). Collection method: clinical testing. Allele origin: germline.
Comment: This variant has not been reported in the literature in individuals with AKAP9-related conditions. Algorithms developed to predict the effect of missense changes on protein structure and function output the following: SIFT: "Tolerated"; PolyPhen-2: "Benign"; Align-GVGD: "Class C0". The threonine amino acid residue is found in multiple mammalian species, suggesting that this missense change does not adversely affect protein function. These predictions have not been confirmed by published functional studies and their clinical significance is uncertain. In summary, the available evidence is currently insufficient to determine the role of this variant in disease. Therefore, it has been classified as a Variant of Uncertain Significance. This sequence change replaces proline with threonine at codon 3691 of the AKAP9 protein (p.Pro3691Thr). The proline residue is moderately conserved and there is a small physicochemical difference between proline and threonine. This variant is not present in population databases (ExAC no frequency).

NM_005751.5(AKAP9):c.11071C>A (p.Pro3691Thr)

Gene: AKAP9 (A-kinase anchoring protein 9; plus strand). Cytogenetic location: 7q21.2.
Variant type: single nucleotide variant.
Coding change: c.11071C>A on transcript NM_005751.5 (MANE Select); coding-DNA position 11071, C replaced by A.
Protein change: p.Pro3691Thr; replaces proline 3691 with threonine.
Molecular consequence: missense variant.
Genome position (GRCh38, 1-based): chr7:92,101,030, C>A. VCF-style: chr7-92101030-C-A. GRCh37 (hg19) VCF-style: chr7-91730344-C-A.
Other names: c.5716C>A, p.Pro1906Thr (NM_001379277.1); c.11047C>A, p.Pro3683Thr (NM_147185.3); short protein forms P1906T, P3683T, P3691T.
Identifiers: ClinVar variation 1053793 (VCV001053793.9), dbSNP rs2130909748, ClinGen allele CA368160659.